The following is an entry in ClinVar:

NM_004260.4(RECQL4):c.694_707del (p.Ala232fs)

Gene: RECQL4 (RecQ like helicase 4; minus strand). Cytogenetic location: 8q24.3.
Variant type: Deletion.
Coding change: c.694_707del on transcript NM_004260.4 (MANE Select); coding-DNA positions 694 to 707, 14 bases deleted (GCTGGCTCCCAGGG).
Protein change: p.Ala232fs; shifts the reading frame from alanine 232.
Molecular consequence: frameshift variant.
Genome position (GRCh38, 1-based): chr8:144,516,412-144,516,425, CCCTGGGAGCCAGC deleted on the plus strand (GCTGGCTCCCAGGG on the coding strand, the reverse complement: RECQL4 is on the minus strand). VCF-style (leftmost placement, unchanged base first): chr8-144516411-GCCCTGGGAGCCAGC-G. GRCh37 (hg19) VCF-style: chr8-145741795-GCCCTGGGAGCCAGC-G.
Other names: short protein forms A232fs.
Identifiers: ClinVar variation 1076587 (VCV001076587.5), dbSNP rs2130723893, ClinGen allele CA2499219197.

ClinVar aggregate classification (germline): Pathogenic (1 of 4 stars; one submission).

Conditions:
Baller-Gerold syndrome (BGS). Also called: CRANIOSYNOSTOSIS WITH RADIAL DEFECTS. Identifiers: Orphanet 1225, MedGen C0265308, MONDO:0009039, OMIM 218600.

Submission:

Labcorp Genetics (formerly Invitae), Labcorp
Classification: Pathogenic for Baller-Gerold syndrome. Last evaluated: 2023-08-17. Review status: criteria provided, single submitter. Criteria: Invitae Variant Classification Sherloc (09022015). Collection method: clinical testing. Allele origin: germline.
Comment: ClinVar contains an entry for this variant (Variation ID: 1076587). For these reasons, this variant has been classified as Pathogenic. This variant has not been reported in the literature in individuals affected with RECQL4-related conditions. This variant is not present in population databases (gnomAD no frequency). This sequence change creates a premature translational stop signal (p.Ala232Profs*59) in the RECQL4 gene. It is expected to result in an absent or disrupted protein product. Loss-of-function variants in RECQL4 are known to be pathogenic (PMID: 12734318, 12952869).

Literature cited by the submitters: PubMed 12734318; PubMed 12952869.